The following is an entry in ClinVar:

NM_001077415.3(CRELD1):c.335G>T (p.Ser112Ile)

Gene: CRELD1 (cysteine rich with EGF like domains 1; plus strand). Cytogenetic location: 3p25.3.
Variant type: single nucleotide variant.
Coding change: c.335G>T on transcript NM_001077415.3 (MANE Select); coding-DNA position 335, G replaced by T.
Protein change: p.Ser112Ile; replaces serine 112 with isoleucine.
Molecular consequence: missense variant. On other transcripts: non-coding transcript variant (3).
Genome position (GRCh38, 1-based): chr3:9,937,639, G>T. VCF-style: chr3-9937639-G-T. GRCh37 (hg19) VCF-style: chr3-9979323-G-T.
Other names: c.335G>T, p.Ser112Ile (NM_001031717.4, NM_001374316.1, NM_001374317.1 and 5 more transcripts); short protein forms S112I.
Identifiers: ClinVar variation 3344624 (VCV003344624.1).

ClinVar aggregate classification (germline): Uncertain significance (0 of 4 stars; one submission).

Conditions:
CRELD1-related disorder. Also called: CRELD1-related condition.

Submission:

PreventionGenetics, part of Exact Sciences
Classification: Uncertain significance for CRELD1-related condition. Last evaluated: 2024-08-03. Review status: no assertion criteria provided. Collection method: clinical testing. Allele origin: germline.
Comment: The CRELD1 c.335G>T variant is predicted to result in the amino acid substitution p.Ser112Ile. To our knowledge, this variant has not been reported in the literature or in a large population database, indicating this variant is rare. At this time, the clinical significance of this variant is uncertain due to the absence of conclusive functional and genetic evidence.